The following is an entry in ClinVar:

NM_015559.3(SETBP1):c.3003T>G (p.Tyr1001Ter)

Gene: SETBP1 (SET binding protein 1; plus strand). Cytogenetic location: 18q12.3.
Variant type: single nucleotide variant.
Coding change: c.3003T>G on transcript NM_015559.3 (MANE Select); coding-DNA position 3003, T replaced by G.
Protein change: p.Tyr1001Ter; replaces tyrosine 1001 with a stop codon.
Molecular consequence: nonsense.
Genome position (GRCh38, 1-based): chr18:44,952,343, T>G. VCF-style: chr18-44952343-T-G. GRCh37 (hg19) VCF-style: chr18-42532308-T-G.
Other names: c.3003T>G, p.Tyr1001Ter (NM_001379141.1, NM_001379142.1, NM_001410862.1); short protein forms Y1001*.
Identifiers: ClinVar variation 4630528 (VCV004630528.1).

ClinVar aggregate classification (germline): Pathogenic (1 of 4 stars; one submission).

Conditions:
Inborn genetic diseases. Identifiers: MedGen C0950123, MeSH D030342.

Submission:

Ambry Genetics
Classification: Pathogenic for Inborn genetic diseases. Last evaluated: 2025-09-17. Review status: criteria provided, single submitter. Criteria: Ambry Variant Classification Scheme 2023. Collection method: clinical testing. Allele origin: germline.
Comment: The c.3003T>G (p.Y1001*) alteration, located in exon 4 (coding exon 3) of the SETBP1 gene, consists of a T to G substitution at nucleotide position 3003. This changes the amino acid from a tyrosine (Y) to a stop codon at amino acid position 1001. This alteration is expected to result in loss of function by premature protein truncation or nonsense-mediated mRNA decay. for SETBP1-related neurodevelopmental disorder; however, its clinical significance for Schinzel-Giedion syndrome is uncertain. This variant was not reported in population-based cohorts in the Genome Aggregation Database (gnomAD). Based on the available evidence, this alteration is classified as pathogenic.